The following is an entry in ClinVar:

NM_030962.4(SBF2):c.913T>C (p.Cys305Arg)

Gene: SBF2 (SET binding factor 2; minus strand). Cytogenetic location: 11p15.4.
Variant type: single nucleotide variant.
Coding change: c.913T>C on transcript NM_030962.4 (MANE Select); coding-DNA position 913, T replaced by C.
Protein change: p.Cys305Arg; replaces cysteine 305 with arginine.
Molecular consequence: missense variant.
Genome position (GRCh38, 1-based): chr11:9,998,328, A>G on the plus strand (T>C on the coding strand, the complement: SBF2 is on the minus strand). VCF-style: chr11-9998328-A-G. GRCh37 (hg19) VCF-style: chr11-10019875-A-G.
Other names: c.913T>C, p.Cys305Arg (NM_001386339.1, NM_001386342.1); short protein forms C305R.
Identifiers: ClinVar variation 916940 (VCV000916940.10), dbSNP rs758820956, ClinGen allele CA5881970.

ClinVar aggregate classification (germline): Uncertain significance. Review status: criteria provided, multiple submitters, no conflicts (2 of 4 stars). 2 submissions from 2 submitters: Uncertain significance (2). Last evaluated 2020-10-26.

Conditions:
Charcot-Marie-Tooth disease. Also called: Charcot-Marie-Tooth Hereditary Neuropathy; Charcot-Marie-Tooth Neuropathy. Identifiers: Orphanet 166, MedGen C0007959, MONDO:0015626.
Charcot-Marie-Tooth disease type 4. Also called: Charcot-Marie-Tooth, Type 4; Charcot-Marie-Tooth disease, type IV. Identifiers: Orphanet 64749, MedGen C4082197, MONDO:0018995.

Allele frequency attached by ClinVar (database versions not stated): gnomAD 0.00001; gnomAD exomes 0.00001; ExAC 0.00002.
gnomAD v4.1: 3 of 1,610,100 alleles (0.00019%); highest among the groups gnomAD compares: East Asian, 0.0022%; no homozygotes.

Submissions (2):

Labcorp Genetics (formerly Invitae), Labcorp
Classification: Uncertain significance for Charcot-Marie-Tooth disease type 4. Last evaluated: 2020-10-26. Review status: criteria provided, single submitter. Criteria: Invitae Variant Classification Sherloc (09022015). Collection method: clinical testing. Allele origin: germline.
Comment: In summary, the available evidence is currently insufficient to determine the role of this variant in disease. Therefore, it has been classified as a Variant of Uncertain Significance. Algorithms developed to predict the effect of missense changes on protein structure and function (SIFT, PolyPhen-2, Align-GVGD) all suggest that this variant is likely to be tolerated, but these predictions have not been confirmed by published functional studies and their clinical significance is uncertain. This variant has not been reported in the literature in individuals with SBF2-related conditions. ClinVar contains an entry for this variant (Variation ID: 916940). This variant is present in population databases (rs758820956, ExAC 0.02%). This sequence change replaces cysteine with arginine at codon 305 of the SBF2 protein (p.Cys305Arg). The cysteine residue is moderately conserved and there is a large physicochemical difference between cysteine and arginine.

Molecular Genetics Laboratory, London Health Sciences Centre
Classification: Uncertain significance for Charcot-Marie-Tooth disease. Review status: criteria provided, single submitter. Criteria: ACMG Guidelines, 2015. Collection method: clinical testing. Allele origin: germline. Affected: yes.